The following is an entry in ClinVar:

NM_001843.4(CNTN1):c.2527C>T (p.Arg843Trp)

Gene: CNTN1 (contactin 1; plus strand). Cytogenetic location: 12q12.
Variant type: single nucleotide variant.
Coding change: c.2527C>T on transcript NM_001843.4 (MANE Select); coding-DNA position 2527, C replaced by T.
Protein change: p.Arg843Trp; replaces arginine 843 with tryptophan.
Molecular consequence: missense variant.
Genome position (GRCh38, 1-based): chr12:41,025,153, C>T. VCF-style: chr12-41025153-C-T. GRCh37 (hg19) VCF-style: chr12-41418955-C-T.
Other names: c.2494C>T, p.Arg832Trp (NM_175038.2); short protein forms R832W, R843W.
Identifiers: ClinVar variation 1006715 (VCV001006715.6), dbSNP rs1168401868, ClinGen allele CA384587384.
Genomic context (GRCh38, chr12:41,025,153, plus strand): 5'-TTCATAGCTGAAGACTCTAAATCATGGCAAAATATAACTCATCCTGAATGTTTGCAGATT[C>T]GGTATTGGGCTGCCCATGACAAAGAAGAAGCTGCAAACAGAGTTCAAGTCACCAGCCAAG-3'
Protein context (NP_001834.2, residues 833-853): LEKIVESYQI[Arg843Trp]YWAAHDKEEA

ClinVar aggregate classification (germline): Uncertain significance (1 of 4 stars; one submission).

Conditions:
Compton-North congenital myopathy (CMYO12). Identifiers: Orphanet 210163, MedGen C2675527, MONDO:0012929, OMIM 612540.

Allele frequency attached by ClinVar (database versions not stated): gnomAD exomes below 0.00001; TOPMed below 0.00001; gnomAD 0.00001.
gnomAD v4.1: 5 of 1,613,528 alleles (0.00031%); highest among the groups gnomAD compares: South Asian, 0.0011%; no homozygotes.

Submission:

Labcorp Genetics (formerly Invitae), Labcorp
Classification: Uncertain significance for Compton-North congenital myopathy. Last evaluated: 2022-08-19. Review status: criteria provided, single submitter. Criteria: Invitae Variant Classification Sherloc (09022015). Collection method: clinical testing. Allele origin: germline.
Comment: This sequence change replaces arginine, which is basic and polar, with tryptophan, which is neutral and slightly polar, at codon 843 of the CNTN1 protein (p.Arg843Trp). This variant is present in population databases (no rsID available, gnomAD 0.007%). This variant has not been reported in the literature in individuals affected with CNTN1-related conditions. ClinVar contains an entry for this variant (Variation ID: 1006715). Advanced modeling of protein sequence and biophysical properties (such as structural, functional, and spatial information, amino acid conservation, physicochemical variation, residue mobility, and thermodynamic stability) performed at Invitae indicates that this missense variant is not expected to disrupt CNTN1 protein function. In summary, the available evidence is currently insufficient to determine the role of this variant in disease. Therefore, it has been classified as a Variant of Uncertain Significance.